The following is an entry in ClinVar:

NM_000322.5(PRPH2):c.811C>T (p.Leu271Phe)

Gene: PRPH2 (peripherin 2; minus strand). Cytogenetic location: 6p21.1.
Variant type: single nucleotide variant.
Coding change: c.811C>T on transcript NM_000322.5 (MANE Select); coding-DNA position 811, C replaced by T.
Protein change: p.Leu271Phe; replaces leucine 271 with phenylalanine.
Molecular consequence: missense variant.
Genome position (GRCh38, 1-based): chr6:42,704,382, G>A on the plus strand (C>T on the coding strand, the complement: PRPH2 is on the minus strand). VCF-style: chr6-42704382-G-A. GRCh37 (hg19) VCF-style: chr6-42672120-G-A.
Other names: short protein forms L271F.
Identifiers: ClinVar variation 2087503 (VCV002087503.4), dbSNP rs2548300662, ClinGen allele CA364134641.

ClinVar aggregate classification (germline): Uncertain significance (1 of 4 stars; one submission).

Conditions:
PRPH2-related disorder. Also called: PRPH2-related condition; PRPH2-related disorders. Identifiers: MedGen CN239395.

Submission:

Labcorp Genetics (formerly Invitae), Labcorp
Classification: Uncertain significance for PRPH2-related disorder. Last evaluated: 2024-10-15. Review status: criteria provided, single submitter. Criteria: Invitae Variant Classification Sherloc (09022015). Collection method: clinical testing. Allele origin: germline.
Comment: This sequence change replaces leucine, which is neutral and non-polar, with phenylalanine, which is neutral and non-polar, at codon 271 of the PRPH2 protein (p.Leu271Phe). This variant is not present in population databases (gnomAD no frequency). This variant has not been reported in the literature in individuals affected with PRPH2-related conditions. ClinVar contains an entry for this variant (Variation ID: 2087503). Invitae Evidence Modeling of protein sequence and biophysical properties (such as structural, functional, and spatial information, amino acid conservation, physicochemical variation, residue mobility, and thermodynamic stability) has been performed for this missense variant. However, the output from this modeling did not meet the statistical confidence thresholds required to predict the impact of this variant on PRPH2 protein function. In summary, the available evidence is currently insufficient to determine the role of this variant in disease. Therefore, it has been classified as a Variant of Uncertain Significance.